The following is an entry in ClinVar:

NM_006265.3(RAD21):c.1306C>T (p.Gln436Ter)

Gene: RAD21 (RAD21 cohesin complex component; minus strand). Cytogenetic location: 8q24.11.
Variant type: single nucleotide variant.
Coding change: c.1306C>T on transcript NM_006265.3 (MANE Select); coding-DNA position 1306, C replaced by T.
Protein change: p.Gln436Ter; replaces glutamine 436 with a stop codon.
Molecular consequence: nonsense.
Genome position (GRCh38, 1-based): chr8:116,852,564, G>A on the plus strand (C>T on the coding strand, the complement: RAD21 is on the minus strand). VCF-style: chr8-116852564-G-A. GRCh37 (hg19) VCF-style: chr8-117864803-G-A.
Other names: short protein forms Q436*.
Identifiers: ClinVar variation 620426 (VCV000620426.9), dbSNP rs1563688680, ClinGen allele CA371998591.

ClinVar aggregate classification (germline): Pathogenic/Likely pathogenic. Review status: criteria provided, multiple submitters, no conflicts (2 of 4 stars). 2 submissions from 2 submitters: Pathogenic (1); Likely pathogenic (1). Last evaluated 2019-04-01.

Conditions:
Cornelia de Lange syndrome 4 (CDLS4). Also called: CORNELIA DE LANGE SYNDROME 4 WITH OR WITHOUT MIDLINE BRAIN DEFECTS; RAD21-Related Cornelia de Lange Syndrome. Identifiers: Orphanet 199, MedGen C3553517, MONDO:0013864, OMIM 614701.

Submissions (2):

Labcorp Genetics (formerly Invitae), Labcorp
Classification: Pathogenic for Cornelia de Lange syndrome 4. Last evaluated: 2019-04-01. Review status: criteria provided, single submitter. Criteria: Invitae Variant Classification Sherloc (09022015). Collection method: clinical testing. Allele origin: germline.
Comment: For these reasons, this variant has been classified as Pathogenic. Loss-of-function variants in RAD21 are known to be pathogenic (PMID: 22633399, 24378232, 27620904, 27882533). This variant has not been reported in the literature in individuals with RAD21-related conditions. This variant is not present in population databases (ExAC no frequency). This sequence change creates a premature translational stop signal (p.Gln436*) in the RAD21 gene. It is expected to result in an absent or disrupted protein product.

GeneDx
Classification: Likely pathogenic. Last evaluated: 2018-10-22. Review status: criteria provided, single submitter. Criteria: GeneDx Variant Classification (06012015). Collection method: clinical testing. Allele origin: germline. Affected: yes.
Comment: The Q436X variant has not been published as a pathogenic variant, nor has it been reported as a benign variant to our knowledge. The Q436X nonsense variant is predicted to cause loss of normal protein function either through protein truncation or nonsense-mediated mRNA decay. Furthermore, the Q436X variant is not observed in large population cohorts (Lek et al., 2016). Therefore, this variant is likely pathogenic; however, the possibility that it is benign cannot be excluded.

Literature cited by the submitters: PubMed 22633399 (cited by Labcorp Genetics (formerly Invitae), Labcorp); PubMed 24378232 (cited by Labcorp Genetics (formerly Invitae), Labcorp); PubMed 27620904 (cited by Labcorp Genetics (formerly Invitae), Labcorp); PubMed 27882533 (cited by Labcorp Genetics (formerly Invitae), Labcorp).